The following is an entry in ClinVar:

ClinVar aggregate classification (germline): Uncertain significance. Review status: criteria provided, multiple submitters, no conflicts (2 of 4 stars). 2 submissions from 2 submitters: Uncertain significance (2). Last evaluated 2024-09-26.

Conditions:
Charcot-Marie-Tooth disease axonal type 2F (CMT2F). Also called: CHARCOT-MARIE-TOOTH DISEASE, NEURONAL, TYPE 2F; Charcot-Marie-Tooth Neuropathy Type 2F. Identifiers: Orphanet 99940, MedGen C1847823, MONDO:0011687, OMIM 606595.

Allele frequency attached by ClinVar (database versions not stated): gnomAD 0.00001; TOPMed 0.00002.
gnomAD v4.1: 1 of 1,586,154 alleles (0.000063%); highest among the groups gnomAD compares: Non-Finnish European, 0.000086%; no homozygotes.

Submissions (2):

GeneDx
Classification: Uncertain significance. Last evaluated: 2024-09-26. Review status: criteria provided, single submitter. Criteria: GeneDx Variant Classification Process June 2021. Collection method: clinical testing. Allele origin: germline. Affected: yes.
Comment: Not observed at significant frequency in large population cohorts (gnomAD); In silico analysis supports that this missense variant has a deleterious effect on protein structure/function; Has not been previously published as pathogenic or benign to our knowledge

Labcorp Genetics (formerly Invitae), Labcorp
Classification: Uncertain significance for Charcot-Marie-Tooth disease axonal type 2F. Last evaluated: 2024-02-23. Review status: criteria provided, single submitter. Criteria: Invitae Variant Classification Sherloc (09022015). Collection method: clinical testing. Allele origin: germline.
Comment: This sequence change replaces tyrosine, which is neutral and polar, with cysteine, which is neutral and slightly polar, at codon 142 of the HSPB1 protein (p.Tyr142Cys). This variant is not present in population databases (gnomAD no frequency). This variant has not been reported in the literature in individuals affected with HSPB1-related conditions. ClinVar contains an entry for this variant (Variation ID: 962163). Advanced modeling of protein sequence and biophysical properties (such as structural, functional, and spatial information, amino acid conservation, physicochemical variation, residue mobility, and thermodynamic stability) has been performed at Invitae for this missense variant, however the output from this modeling did not meet the statistical confidence thresholds required to predict the impact of this variant on HSPB1 protein function. In summary, the available evidence is currently insufficient to determine the role of this variant in disease. Therefore, it has been classified as a Variant of Uncertain Significance.

NM_001540.5(HSPB1):c.425A>G (p.Tyr142Cys)

Gene: HSPB1 (heat shock protein family B (small) member 1; plus strand). Cytogenetic location: 7q11.23.
Variant type: single nucleotide variant.
Coding change: c.425A>G on transcript NM_001540.5 (MANE Select); coding-DNA position 425, A replaced by G.
Protein change: p.Tyr142Cys; replaces tyrosine 142 with cysteine.
Molecular consequence: missense variant.
Genome position (GRCh38, 1-based): chr7:76,303,862, A>G. VCF-style: chr7-76303862-A-G. GRCh37 (hg19) VCF-style: chr7-75933179-A-G.
Other names: short protein forms Y142C.
Identifiers: ClinVar variation 962163 (VCV000962163.10), dbSNP rs1276548832, ClinGen allele CA367765585.
Genomic context (GRCh38, chr7:76,303,862, plus strand): 5'-GCAAGCACGAGGAGCGGCAGGACGAGCATGGCTACATCTCCCGGTGCTTCACGCGGAAAT[A>G]CACGTGAGTCCTGGCGCCAGGTCGGGGTGGGTGGGTGGCGTGGGGGTGGGGTCAGGGAAG-3'
Protein context (NP_001531.1, residues 132-152): GYISRCFTRK[Tyr142Cys]TLPPGVDPTQ